The following is an entry in ClinVar:

ClinVar aggregate classification (germline): Uncertain significance (1 of 4 stars; one submission).

Submission:

Ambry Genetics
Classification: Uncertain significance. Last evaluated: 2022-05-13. Review status: criteria provided, single submitter. Criteria: Ambry Variant Classification Scheme 2023. Collection method: clinical testing. Allele origin: germline.
Comment: The c.721-5A>G intronic variant results from an A to G substitution 5 nucleotides upstream from coding exon 7 in the KIF1B gene. This nucleotide position is not well conserved in available vertebrate species. In silico splice site analysis predicts that this alteration will not have any significant effect on splicing. Since supporting evidence is limited at this time, the clinical significance of this alteration remains unclear.

NM_001365951.3(KIF1B):c.721-5A>G

Gene: KIF1B (kinesin family member 1B; plus strand). Cytogenetic location: 1p36.22.
Variant type: single nucleotide variant.
Coding change: c.721-5A>G on transcript NM_001365951.3 (MANE Select); 5 bases into the intron before coding-DNA position 721, A replaced by G.
Molecular consequence: intron variant.
Genome position (GRCh38, 1-based): chr1:10,271,497, A>G. VCF-style: chr1-10271497-A-G. GRCh37 (hg19) VCF-style: chr1-10331555-A-G.
Other names: c.721-5A>G (NM_183416.4, NM_015074.3, NM_001365952.1 and 1 more transcripts).
Identifiers: ClinVar variation 1757741 (VCV001757741.2), dbSNP rs1648798040, ClinGen allele CA2580060440.
Genomic context (GRCh38, chr1:10,271,497, plus strand): 5'-CTAAATATTTCCTGCTTCTATCTTGCTTATTTTTGAATTGCCCCCATGTTATTGTTCTTT[A>G]TCAGGTCAGTAAAATCAGCTTGGTGGATCTAGCAGGAAGTGAACGAGCTGATTCAACTGG-3'